The following is an entry in ClinVar:

NC_000001.10:g.(?_120254418)_(120254784_120263792)del

Gene: PHGDH (phosphoglycerate dehydrogenase; plus strand). Cytogenetic location: 1p12.
Variant type: Deletion.
Identifiers: ClinVar variation 2429221 (VCV002429221.3).

ClinVar aggregate classification (germline): Likely pathogenic (1 of 4 stars; one submission).

Conditions:
PHGDH deficiency. Identifiers: Orphanet 79351, MedGen C1866174, MONDO:0011152, OMIM 601815.

Submission:

Women's Health and Genetics/Laboratory Corporation of America, LabCorp
Classification: Likely pathogenic for PHGDH deficiency. Last evaluated: 2023-01-06. Review status: criteria provided, single submitter. Criteria: LabCorp Variant Classification Summary - May 2015. Collection method: clinical testing. Allele origin: germline.
Comment: Variant summary: The variant identified by MLPA or other technology involves the deletion of exon 1 in the PHGDH gene. A presumed nomenclature of c.(?_-228)_(138+1_139-1)del has been designated for the purposes of this classification. Although exact breakpoints of this deletion are not known, it is expected to remove the initiation codon and is predicted to result either in absence of the protein or truncation of the encoded protein due to translation initiation at a downstream site. An alternative downstream in-frame start codon (p.Met96) is located at the end of exon 2. The variant was absent in 21694 control chromosomes (gnomAD, Structural Variants dataset). To our knowledge, no occurrence of c.(?_-228)_(138+1_139-1)del in individuals affected with Phosphoglycerate Dehydrogenase Deficiency and no experimental evidence demonstrating its impact on protein function have been reported. Two clinical diagnostic laboratories have submitted clinical-significance assessments for this variant to ClinVar after 2014 and classified the variant as pathogenic. Based on the evidence outlined above, the variant was classified as likely pathogenic.